The following is an entry in ClinVar:

NM_178857.6(RP1L1):c.1306G>A (p.Gly436Ser)

Gene: RP1L1 (RP1 like 1). Cytogenetic location: 8p23.1.
Variant type: single nucleotide variant.
Coding change: c.1306G>A on transcript NM_178857.6 (MANE Select); coding-DNA position 1306, G replaced by A.
Protein change: p.Gly436Ser; replaces glycine 436 with serine.
Molecular consequence: missense variant.
Genome position (GRCh38, 1-based): chr8:10,612,792, C>T on the plus strand (G>A on the coding strand, the complement: RP1L1 is on the minus strand). VCF-style: chr8-10612792-C-T. GRCh37 (hg19) VCF-style: chr8-10470302-C-T.
Other names: short protein forms G436S.
Identifiers: ClinVar variation 4873098 (VCV004873098.2).
Genomic context (GRCh38, chr8:10,612,792, plus strand): 5'-CTGGGCTGGCACTGTCCTGGCTGCATCTCTCCCTCCCGGCAGTCCCGTGGCCCCACAGGC[C>T]ACTGCAGCGGACGTGCTGGGCCAGTCCCCACCTCTTCCGAGCTGCCACTCTCTCTCCCTG-3'
Protein context (NP_849188.4, residues 426-446): WGLAQHVRCS[Gly436Ser]LWGHGTAGRE

ClinVar aggregate classification (germline): Uncertain significance (1 of 4 stars; one submission).

gnomAD v4.1: 12 of 1,610,912 alleles (0.00074%); highest among the groups gnomAD compares: Non-Finnish European, 0.00093%; no homozygotes.

Submission:

CeGaT Center for Human Genetics Tuebingen
Classification: Uncertain significance. Last evaluated: 2026-04-01. Review status: criteria provided, single submitter. Criteria: CeGaT Center For Human Genetics Tuebingen Variant Classification Criteria Version 2. Collection method: clinical testing. Allele origin: germline. Affected: yes. Observed: 1 variant allele.
Comment: RP1L1: PM2, BP4